The following is an entry in ClinVar:

ClinVar aggregate classification (germline): Pathogenic/Likely pathogenic. Review status: criteria provided, multiple submitters, no conflicts (2 of 4 stars). 2 submissions from 2 submitters: Pathogenic (1); Likely pathogenic (1). Last evaluated 2025-10-28.

Conditions:
Nemaline myopathy 2 (NEM2). Also called: Nemaline myopathy 2, autosomal recessive. Identifiers: MedGen C1850569, MONDO:0009725, OMIM 256030.

Submissions (2):

Natera, Inc.
Classification: Likely pathogenic for Nemaline myopathy type 2. Last evaluated: 2025-10-28. Review status: criteria provided, single submitter. Criteria: Natera Variant Classification Schema (03/2026). Collection method: clinical testing. Allele origin: germline.
Comment: The c.6722G>A variant in NEB is a nonsense variant predicted to introduce a stop codon at amino acid 2241. This variant is expected to result in nonsense mediated decay, truncation, or a dysfunctional protein product. This variant is rare in the general population with a frequency below the threshold expected for the associated phenotype(s). Given the available evidence, this variant is classified as Likely Pathogenic.

Labcorp Genetics (formerly Invitae), Labcorp
Classification: Pathogenic for Nemaline myopathy 2. Last evaluated: 2023-10-20. Review status: criteria provided, single submitter. Criteria: Invitae Variant Classification Sherloc (09022015). Collection method: clinical testing. Allele origin: germline.
Comment: This sequence change creates a premature translational stop signal (p.Trp2241*) in the NEB gene. It is expected to result in an absent or disrupted protein product. Loss-of-function variants in NEB are known to be pathogenic (PMID: 25205138). This variant is not present in population databases (gnomAD no frequency). This variant has not been reported in the literature in individuals affected with NEB-related conditions. For these reasons, this variant has been classified as Pathogenic.

Literature cited by the submitters: PubMed 25205138 (cited by Labcorp Genetics (formerly Invitae), Labcorp).

NM_001164508.2(NEB):c.6722G>A (p.Trp2241Ter)

Gene: NEB (nebulin; minus strand). Cytogenetic location: 2q23.3.
Variant type: single nucleotide variant.
Coding change: c.6722G>A on transcript NM_001164508.2 (MANE Select); coding-DNA position 6722, G replaced by A.
Protein change: p.Trp2241Ter; replaces tryptophan 2241 with a stop codon.
Molecular consequence: nonsense.
Genome position (GRCh38, 1-based): chr2:151,655,355, C>T on the plus strand (G>A on the coding strand, the complement: NEB is on the minus strand). VCF-style: chr2-151655355-C-T. GRCh37 (hg19) VCF-style: chr2-152511869-C-T.
Other names: c.6722G>A, p.Trp2241Ter (NM_001164507.2, NM_001271208.2, NM_004543.5); short protein forms W2241*.
Identifiers: ClinVar variation 2803787 (VCV002803787.4), dbSNP rs2552252226, ClinGen allele CA348794642.